The following is an entry in ClinVar:

ClinVar aggregate classification (germline): Uncertain significance (1 of 4 stars; one submission).

Conditions:
Epileptic encephalopathy. Identifiers: MedGen C0543888, HP:0200134.

Allele frequency attached by ClinVar (database versions not stated): gnomAD 0.00001; TOPMed 0.00001.
gnomAD v4.1: 2 of 1,603,474 alleles (0.00012%); highest among the groups gnomAD compares: Non-Finnish European, 0.00017%; no homozygotes.

Submission:

Labcorp Genetics (formerly Invitae), Labcorp
Classification: Uncertain significance for Epileptic encephalopathy. Last evaluated: 2018-07-15. Review status: criteria provided, single submitter. Criteria: Invitae Variant Classification Sherloc (09022015). Collection method: clinical testing. Allele origin: germline.
Comment: In summary, the available evidence is currently insufficient to determine the role of this variant in disease. Therefore, it has been classified as a Variant of Uncertain Significance. Algorithms developed to predict the effect of missense changes on protein structure and function are either unavailable or do not agree on the potential impact of this missense change (SIFT: "Deleterious"; PolyPhen-2: "Probably Damaging"; Align-GVGD: "Class C0"). This variant has not been reported in the literature in individuals with RYR3-related disease. The frequency data for this variant in the population databases is considered unreliable, as metrics indicate poor data quality at this position in the ExAC database. This sequence change replaces aspartic acid with glutamic acid at codon 4551 of the RYR3 protein (p.Asp4551Glu). The aspartic acid residue is highly conserved and there is a small physicochemical difference between aspartic acid and glutamic acid.

NM_001036.6(RYR3):c.13653C>A (p.Asp4551Glu)

Genes: AVEN (apoptosis and caspase activation inhibitor; minus strand), RYR3 (ryanodine receptor 3; plus strand), LOC126862094 (CDK7 strongly-dependent group 2 enhancer GRCh37_chr15:34145183-34146382; plus strand). Cytogenetic location: 15q14.
Variant type: single nucleotide variant.
Coding change: c.13653C>A on transcript NM_001036.6 (MANE Select); coding-DNA position 13653, C replaced by A.
Protein change: p.Asp4551Glu; replaces aspartic acid 4551 with glutamic acid.
Molecular consequence: missense variant.
Genome position (GRCh38, 1-based): chr15:33,853,069, C>A. VCF-style: chr15-33853069-C-A. GRCh37 (hg19) VCF-style: chr15-34145270-C-A.
Other names: c.13638C>A, p.Asp4546Glu (NM_001243996.4); short protein forms D4546E, D4551E.
Identifiers: ClinVar variation 658572 (VCV000658572.9), dbSNP rs766901337, ClinGen allele CA7461715.